The following is an entry in ClinVar:

ClinVar aggregate classification (germline): Uncertain significance (1 of 4 stars; one submission).

Conditions:
POLD1-related polyposis and colorectal cancer syndrome (CRCS10). Also called: Colorectal cancer 10; COLORECTAL CANCER, SUSCEPTIBILITY TO, ON CHROMOSOME 19q; Colorectal cancer, susceptibility to, 10. Identifiers: Orphanet 220460, MedGen C2675481, MONDO:0012953, OMIM 612591.

Submission:

Labcorp Genetics (formerly Invitae), Labcorp
Classification: Uncertain significance for POLD1-related polyposis and colorectal cancer syndrome. Last evaluated: 2022-08-09. Review status: criteria provided, single submitter. Criteria: Invitae Variant Classification Sherloc (09022015). Collection method: clinical testing. Allele origin: germline.
Comment: In summary, the available evidence is currently insufficient to determine the role of this variant in disease. Therefore, it has been classified as a Variant of Uncertain Significance. Algorithms developed to predict the effect of missense changes on protein structure and function (SIFT, PolyPhen-2, Align-GVGD) all suggest that this variant is likely to be tolerated. ClinVar contains an entry for this variant (Variation ID: 1025332). This variant has not been reported in the literature in individuals affected with POLD1-related conditions. This variant is not present in population databases (gnomAD no frequency). This sequence change replaces histidine, which is basic and polar, with glutamine, which is neutral and polar, at codon 160 of the POLD1 protein (p.His160Gln).

NM_002691.4(POLD1):c.480C>A (p.His160Gln)

Gene: POLD1 (DNA polymerase delta 1, catalytic subunit; plus strand). Cytogenetic location: 19q13.33.
Variant type: single nucleotide variant.
Coding change: c.480C>A on transcript NM_002691.4 (MANE Select); coding-DNA position 480, C replaced by A.
Protein change: p.His160Gln; replaces histidine 160 with glutamine.
Molecular consequence: missense variant. On other transcripts: non-coding transcript variant (1).
Genome position (GRCh38, 1-based): chr19:50,402,015, C>A. VCF-style: chr19-50402015-C-A. GRCh37 (hg19) VCF-style: chr19-50905272-C-A.
Other names: c.480C>A, p.His160Gln (NM_001256849.1, NM_001308632.1); short protein forms H160Q.
Identifiers: ClinVar variation 1025332 (VCV001025332.8), dbSNP rs2038658464, ClinGen allele CA406972942.
Genomic context (GRCh38, chr19:50,402,015, plus strand): 5'-GCCACTGGAGCCCCCTGCACCTCTGATCATCCCTCCCACACCAGGTTTCGGGCCCGAGCA[C>A]ATGGGTGACCTGCAACGGGAGCTGAACTTGGCCATCAGCCGGGACAGTCGCGGGGGGAGG-3'
Protein context (NP_002682.2, residues 150-170): TPAPPGFGPE[His160Gln]MGDLQRELNL